The following is an entry in ClinVar:

NM_002439.5(MSH3):c.287C>G (p.Pro96Arg)

Gene: MSH3 (mutS homolog 3; plus strand). Cytogenetic location: 5q14.1.
Variant type: single nucleotide variant.
Coding change: c.287C>G on transcript NM_002439.5 (MANE Select); coding-DNA position 287, C replaced by G.
Protein change: p.Pro96Arg; replaces proline 96 with arginine.
Molecular consequence: missense variant.
Genome position (GRCh38, 1-based): chr5:80,656,460, C>G. VCF-style: chr5-80656460-C-G. GRCh37 (hg19) VCF-style: chr5-79952279-C-G.
Other names: short protein forms P96R.
Identifiers: ClinVar variation 1522105 (VCV001522105.8), dbSNP rs373436584, ClinGen allele CA360266272.
Genomic context (GRCh38, chr5:80,656,460, plus strand): 5'-TCCCGATATAGGCTACAGAAATTGACAGAAGAAAGAAGAGACCATTGGAAAATGATGGGC[C>G]TGTTAAAAAGAAAGTAAAGAAAGTCCAACAAAAGGAAGGAGGAAGTGATCTGGGAATGTC-3'
Protein context (NP_002430.3, residues 86-106): RKKRPLENDG[Pro96Arg]VKKKVKKVQQ

ClinVar aggregate classification (germline): Uncertain significance (1 of 4 stars; one submission).

gnomAD v4.1: 1 of 1,614,056 alleles (0.000062%); highest among the groups gnomAD compares: East Asian, 0.0022%; no homozygotes.

Submission:

Labcorp Genetics (formerly Invitae), Labcorp
Classification: Uncertain significance. Last evaluated: 2021-04-02. Review status: criteria provided, single submitter. Criteria: Invitae Variant Classification Sherloc (09022015). Collection method: clinical testing. Allele origin: germline.
Comment: In summary, the available evidence is currently insufficient to determine the role of this variant in disease. Therefore, it has been classified as a Variant of Uncertain Significance. Algorithms developed to predict the effect of missense changes on protein structure and function are either unavailable or do not agree on the potential impact of this missense change (SIFT: "Tolerated"; PolyPhen-2: "Possibly Damaging"; Align-GVGD: "Class C0"). This variant has not been reported in the literature in individuals with MSH3-related conditions. This variant is not present in population databases (ExAC no frequency). This sequence change replaces proline with arginine at codon 96 of the MSH3 protein (p.Pro96Arg). The proline residue is moderately conserved and there is a moderate physicochemical difference between proline and arginine.